The following is an entry in ClinVar:

NM_001041.4(SI):c.3586_3587del (p.Met1196fs)

Gene: SI (sucrase-isomaltase; minus strand). Cytogenetic location: 3q26.1.
Variant type: Microsatellite.
Coding change: c.3586_3587del on transcript NM_001041.4 (MANE Select); coding-DNA positions 3586 to 3587, 2 bases deleted (AT; older notation c.3586_3587delAT).
Protein change: p.Met1196fs; shifts the reading frame from methionine 1196.
Molecular consequence: frameshift variant.
Genome position (GRCh38, 1-based): chr3:165,017,807-165,017,808, AT deleted on the plus strand (AT on the coding strand, the reverse complement: SI is on the minus strand); deleting any 2 consecutive bases within chr3:165,017,807-165,017,811 gives the same sequence; the c. name uses the placement nearest the transcript's 3' end. VCF-style (leftmost placement, unchanged base first): chr3-165017806-CAT-C. GRCh37 (hg19) VCF-style: chr3-164735594-CAT-C.
Other names: c.3586_3587delAT (NM_001041.3, NM_001041.4); short protein forms M1196fs.
Identifiers: ClinVar variation 420501 (VCV000420501.12), dbSNP rs780535026, ClinGen allele CA2690211.

ClinVar aggregate classification (germline): Conflicting classifications of pathogenicity. Review status: criteria provided, conflicting classifications (1 of 4 stars). 6 submissions from 6 submitters: Pathogenic (3); Likely pathogenic (2); Uncertain significance (1). Last evaluated 2026-04-02.

Conditions:
SI-related disorder. Also called: SI-related condition.
Sucrase-isomaltase deficiency (CSID). Also called: SI DEFICIENCY; Deficiency of isomaltase; Congenital sucrose isomaltose malabsorption; Sucrose isomaltose enzyme deficiency. Identifiers: Orphanet 35122, MedGen C1283620, MONDO:0009114, OMIM 222900.

Submissions (6):

PreventionGenetics, part of Exact Sciences
Classification: Likely pathogenic for SI-related condition. Last evaluated: 2026-04-02. Review status: criteria provided, single submitter. Criteria: ACMG Guidelines, 2015. Collection method: clinical testing. Allele origin: germline.
Comment: The SI c.3586_3587delAT variant is predicted to result in a frameshift and premature protein termination (p.Met1196Valfs*15). To our knowledge, this variant has not been reported in the literature. This variant is reported in 0.031% of alleles in individuals of Latino descent in gnomAD. Frameshift variants in SI are expected to be pathogenic. This variant is interpreted as likely pathogenic.

Labcorp Genetics (formerly Invitae), Labcorp
Classification: Pathogenic. Last evaluated: 2026-01-28. Review status: criteria provided, single submitter. Criteria: Invitae Variant Classification Sherloc (09022015). Collection method: clinical testing. Allele origin: germline.
Comment: This sequence change creates a premature translational stop signal (p.Met1196Valfs*15) in the SI gene. It is expected to result in an absent or disrupted protein product. Loss-of-function variants in SI are known to be pathogenic (PMID: 16329100, 23103650, 25452324). This variant is present in population databases (rs780535026, gnomAD 0.03%). This variant has not been reported in the literature in individuals affected with SI-related conditions. ClinVar contains an entry for this variant (Variation ID: 420501). For these reasons, this variant has been classified as Pathogenic.

First Genomix Gene Laboratory, Genetic Diagnostics Department
Classification: Pathogenic for Sucrase-isomaltase deficiency. Last evaluated: 2025-09-23. Review status: criteria provided, single submitter. Criteria: ACMG Guidelines, 2015. Collection method: clinical testing. Allele origin: germline. Inheritance: Autosomal recessive inheritance. Affected: no. Observed: 1 variant allele.

Fulgent Genetics
Classification: Likely pathogenic for Sucrase-isomaltase deficiency. Last evaluated: 2024-04-23. Review status: criteria provided, single submitter. Criteria: ACMG Guidelines, 2015. Collection method: clinical testing. Allele origin: germline.

Women's Health and Genetics/Laboratory Corporation of America, LabCorp
Classification: Pathogenic for Sucrase-isomaltase deficiency. Last evaluated: 2023-10-31. Review status: criteria provided, single submitter. Criteria: LabCorp Variant Classification Summary - May 2015. Collection method: clinical testing. Allele origin: germline.
Comment: Variant summary: SI c.3586_3587delAT (p.Met1196ValfsX15) results in a premature termination codon, predicted to cause a truncation of the encoded protein or absence of the protein due to nonsense mediated decay, which are commonly known mechanisms for disease. Variants downstream of this position have been classified as pathogenic in the ClinVar database and reported in association with the Sucrase-Isomaltase Deficiency phenotype in HGMD database. The variant allele was found at a frequency of 6.4e-05 in 250494 control chromosomes. This frequency does not allow conclusions about variant significance. To our knowledge, no occurrence of c.3586_3587delAT in individuals affected with Sucrase-Isomaltase Deficiency and no experimental evidence demonstrating its impact on protein function have been reported. Two submitters have cited clinical-significance assessments for this variant to ClinVar after 2014. One submitter classified the variant as pathogenic and one submitter classified the variant as uncertain significance. Based on the reported association of loss of function variants in this gene with disease in the evidence outlined above, the variant was classified as pathogenic.

GeneDx
Classification: Uncertain significance. Last evaluated: 2019-04-09. Review status: criteria provided, single submitter. Criteria: GeneDx Variant Classification Process June 2021. Collection method: clinical testing. Allele origin: germline. Affected: yes.
Comment: Has not been previously published as pathogenic or benign to our knowledge; Frameshift variant predicted to result in protein truncation or nonsense mediated decay in a gene for which loss-of-function is a known mechanism of disease; This variant is associated with the following publications: (PMID: 31589614)

Literature cited by the submitters: PubMed 16329100 (cited by Labcorp Genetics (formerly Invitae), Labcorp); PubMed 23103650 (cited by Labcorp Genetics (formerly Invitae), Labcorp); PubMed 25452324 (cited by Labcorp Genetics (formerly Invitae), Labcorp).